The following is an entry in ClinVar:

ClinVar aggregate classification (germline): Uncertain significance (1 of 4 stars; one submission).

Conditions:
Glycine encephalopathy. Also called: Non-ketotic hyperglycinemia; Nonketotic hyperglycinemia. Identifiers: Orphanet 407, MedGen C0751748, MONDO:0011612, HP:0008288.

Allele frequency attached by ClinVar (database versions not stated): gnomAD exomes below 0.00001 and 0.00002; TOPMed below 0.00001; ExAC 0.00001; gnomAD 0.00001; ESP Exome Variant Server 0.00008.
gnomAD v4.1: 27 of 1,613,630 alleles (0.0017%); highest among the groups gnomAD compares: African/African-American, 0.0027%; no homozygotes.

Submission:

Labcorp Genetics (formerly Invitae), Labcorp
Classification: Uncertain significance for Glycine encephalopathy. Last evaluated: 2021-08-28. Review status: criteria provided, single submitter. Criteria: Invitae Variant Classification Sherloc (09022015). Collection method: clinical testing. Allele origin: germline.
Comment: This sequence change replaces aspartic acid with tyrosine at codon 258 of the GLDC protein (p.Asp258Tyr). The aspartic acid residue is moderately conserved and there is a large physicochemical difference between aspartic acid and tyrosine. This variant is present in population databases (rs369719863, ExAC 0.001%). This variant has not been reported in the literature in individuals affected with GLDC-related conditions. Advanced modeling of protein sequence and biophysical properties (such as structural, functional, and spatial information, amino acid conservation, physicochemical variation, residue mobility, and thermodynamic stability) performed at Invitae indicates that this missense variant is expected to disrupt GLDC protein function. In summary, the available evidence is currently insufficient to determine the role of this variant in disease. Therefore, it has been classified as a Variant of Uncertain Significance.

NM_000170.3(GLDC):c.772G>T (p.Asp258Tyr)

Gene: GLDC (glycine decarboxylase; minus strand). Cytogenetic location: 9p24.1.
Variant type: single nucleotide variant.
Coding change: c.772G>T on transcript NM_000170.3 (MANE Select); coding-DNA position 772, G replaced by T.
Protein change: p.Asp258Tyr; replaces aspartic acid 258 with tyrosine.
Molecular consequence: missense variant.
Genome position (GRCh38, 1-based): chr9:6,605,220, C>A on the plus strand (G>T on the coding strand, the complement: GLDC is on the minus strand). VCF-style: chr9-6605220-C-A. GRCh37 (hg19) VCF-style: chr9-6605220-C-A.
Other names: short protein forms D258Y.
Identifiers: ClinVar variation 1497293 (VCV001497293.8), dbSNP rs369719863, ClinGen allele CA4980989.